The following is an entry in ClinVar:

ClinVar aggregate classification (germline): Pathogenic. Review status: criteria provided, multiple submitters, no conflicts (2 of 4 stars). 5 submissions from 4 submitters: Pathogenic (3). 2 of the submissions do not count toward it. Last evaluated 2026-05-26.

Conditions:
Hereditary cancer-predisposing syndrome. Also called: Neoplastic Syndromes, Hereditary; Hereditary neoplastic syndrome; Tumor predisposition; Hereditary Cancer Syndrome. Identifiers: Orphanet 140162, MedGen C0027672, MeSH D009386, MONDO:0015356.
Tuberous sclerosis syndrome (TSC). Also called: Tuberous sclerosis; Tuberous Sclerosis Complex. Identifiers: Orphanet 805, MedGen C0041341, MONDO:0001734.
Malignant tumor of urinary bladder. Also called: Bladder cancer; Urinary bladder cancer; Urinary Bladder Neoplasms. Identifiers: MedGen C0005684, MONDO:0001187, OMIM 109800.
Tuberous sclerosis 1 (TSC1). Identifiers: Orphanet 805, MedGen C1854465, MONDO:0008612, OMIM 191100.

Submissions (5):

Ambry Genetics
Classification: Pathogenic for Hereditary cancer-predisposing syndrome. Last evaluated: 2026-05-26. Review status: criteria provided, single submitter. Criteria: Ambry Variant Classification Scheme 2023. Collection method: clinical testing. Allele origin: germline.
Comment: The c.2080C>T (p.Q694*) alteration, located in exon 17 (coding exon 15) of the TSC1 gene, consists of a C to T substitution at nucleotide position 2080. This changes the amino acid from a glutamine (Q) to a stop codon at amino acid position 694. This variant is expected to result in loss of function by premature protein truncation or nonsense-mediated mRNA decay. This variant was not reported in population-based cohorts in the Genome Aggregation Database (gnomAD). This variant was reported in individual(s) with features consistent with Tuberous sclerosis complex; in at least one individual, it was determined to be de novo (Ding, 2020; Blasco-Perez, 2023). Based on the available evidence, this alteration is classified as pathogenic.

GeneDx
Classification: Pathogenic. Last evaluated: 2023-01-03. Review status: criteria provided, single submitter. Criteria: GeneDx Variant Classification Process June 2021. Collection method: clinical testing. Allele origin: germline. Affected: yes.
Comment: Reported previously as a maternally inherited variant in a patient with cerebral palsy; however, no further clinical information was provided on the patient or parent (Mei et al., 2021); Nonsense variant predicted to result in protein truncation or nonsense mediated decay in a gene for which loss of function is a known mechanism of disease; Not observed at significant frequency in large population cohorts (gnomAD); This variant is associated with the following publications: (PMID: 22923433, 35918040, 34788679, 31959902, 32211034)

Laboratory of Medical Genetics, National & Kapodistrian University of Athens
Classification: Pathogenic for Tuberous sclerosis 1. Last evaluated: 2022-07-23. Review status: criteria provided, single submitter. Criteria: ACMG Guidelines, 2015. Collection method: clinical testing. Allele origin: unknown. Affected: yes. Observed: 1 heterozygote.

Tuberous sclerosis database (TSC1)
No classification provided. Condition: TSC. Review status: no classification provided. Criteria: Tuberous Sclerosis Database Assertion Criteria 2015. Collection method: curation. Allele origin: germline. Affected: yes. Not counted in ClinVar's aggregate classification.

Tuberous sclerosis database (TSC1)
No classification provided. Condition: Bladder cancer. Review status: no classification provided. Criteria: Tuberous Sclerosis Database Assertion Criteria 2015. Collection method: curation. Allele origin: germline. Affected: yes. Not counted in ClinVar's aggregate classification.

Literature cited by the submitters: PubMed 32211034 (cited by Ambry Genetics and Laboratory of Medical Genetics, National & Kapodistrian University of Athens); PubMed 37356622 (cited by Ambry Genetics).

NM_000368.5(TSC1):c.2080C>T (p.Gln694Ter)

Gene: TSC1 (TSC complex subunit 1; minus strand). Cytogenetic location: 9q34.13.
Variant type: single nucleotide variant.
Coding change: c.2080C>T on transcript NM_000368.5 (MANE Select); coding-DNA position 2080, C replaced by T.
Protein change: p.Gln694Ter; replaces glutamine 694 with a stop codon.
Molecular consequence: nonsense.
Genome position (GRCh38, 1-based): chr9:132,903,779, G>A on the plus strand (C>T on the coding strand, the complement: TSC1 is on the minus strand). VCF-style: chr9-132903779-G-A. GRCh37 (hg19) VCF-style: chr9-135779166-G-A.
Other names: c.2077C>T, p.Gln693Ter (NM_001162426.2); c.1927C>T, p.Gln643Ter (NM_001162427.2); c.1717C>T, p.Gln573Ter (NM_001362177.2); short protein forms Q694*, Q643*, Q693*, Q573*.
Identifiers: ClinVar variation 64719 (VCV000064719.6), dbSNP rs397514789, ClinGen allele CA005924.
Genomic context (GRCh38, chr9:132,903,779, plus strand): 5'-GGGCATGCTGCTGCCTCTTAAAACGCTCATAGAGTAACTGGTTGTGCAGTAAAAGCAACT[G>A]GTCTCGGAGGGTGCGGATCTCATCTGAAGGAGGAGAGCCTGATTGTAAAGCAGAGGGAGG-3'